The following is an entry in ClinVar:

NM_002334.4(LRP4):c.3292T>A (p.Ser1098Thr)

Gene: LRP4 (LDL receptor related protein 4; minus strand). Cytogenetic location: 11p11.2.
Variant type: single nucleotide variant.
Coding change: c.3292T>A on transcript NM_002334.4 (MANE Select); coding-DNA position 3292, T replaced by A.
Protein change: p.Ser1098Thr; replaces serine 1098 with threonine.
Molecular consequence: missense variant.
Genome position (GRCh38, 1-based): chr11:46,876,816, A>T on the plus strand (T>A on the coding strand, the complement: LRP4 is on the minus strand). VCF-style: chr11-46876816-A-T. GRCh37 (hg19) VCF-style: chr11-46898367-A-T.
Other names: c.3292T>A (NM_002334.3); short protein forms S1098T.
Identifiers: ClinVar variation 2048965 (VCV002048965.5), dbSNP rs368653860, ClinGen allele CA5969636.

ClinVar aggregate classification (germline): Conflicting classifications of pathogenicity. Review status: criteria provided, conflicting classifications (1 of 4 stars). 3 submissions from 3 submitters: Uncertain significance (2); Likely benign (1). Last evaluated 2026-02-01.

Conditions:
Epilepsy. Also called: Seizure disorder. Identifiers: MedGen C0014544, MeSH D004827, MONDO:0005027.
Cenani-Lenz syndactyly syndrome. Also called: CENANI SYNDACTYLISM; SYNDACTYLY, TYPE VII. Identifiers: Orphanet 3258, MedGen C1859309, MONDO:0008931, OMIM 212780.
Sclerosteosis 2 (SOST2). Identifiers: Orphanet 3152, MedGen C3280402, MONDO:0013679, OMIM 614305.
Congenital myasthenic syndrome 17. Identifiers: Orphanet 590, MedGen C4225377, MONDO:0014578, OMIM 616304.
Inborn genetic diseases. Identifiers: MedGen C0950123, MeSH D030342.

Allele frequency attached by ClinVar (database versions not stated): TOPMed 0.00006; gnomAD 0.00007; ESP Exome Variant Server 0.00008; gnomAD exomes 0.00011; ExAC 0.00027.

Submissions (3):

Labcorp Genetics (formerly Invitae), Labcorp
Classification: Uncertain significance for Cenani-Lenz syndactyly syndrome; Sclerosteosis 2; Congenital myasthenic syndrome 17. Last evaluated: 2026-02-01. Review status: criteria provided, single submitter. Criteria: Invitae Variant Classification Sherloc (09022015). Collection method: clinical testing. Allele origin: germline.
Comment: This sequence change replaces serine, which is neutral and polar, with threonine, which is neutral and polar, at codon 1098 of the LRP4 protein (p.Ser1098Thr). This variant is present in population databases (rs368653860, gnomAD 0.03%). This variant has not been reported in the literature in individuals affected with LRP4-related conditions. ClinVar contains an entry for this variant (Variation ID: 2048965). An algorithm developed to predict the effect of missense changes on protein structure and function (PolyPhen-2) suggests that this variant is likely to be tolerated. In summary, the available evidence is currently insufficient to determine the role of this variant in disease. Therefore, it has been classified as a Variant of Uncertain Significance.

Ambry Genetics
Classification: Uncertain significance for Inborn genetic diseases. Last evaluated: 2024-02-26. Review status: criteria provided, single submitter. Criteria: Ambry Variant Classification Scheme 2023. Collection method: clinical testing. Allele origin: germline.

Cambridge Genomics Laboratory, East Genomic Laboratory Hub, NHS Genomic Medicine Service
Classification: Likely benign for Epilepsy. Last evaluated: 2020-05-14. Review status: criteria provided, single submitter. Criteria: ACGS Best Practice Guidelines for Variant Classification in Rare Disease 2020. Collection method: clinical testing. Allele origin: germline. Affected: yes. Observed: 1 variant allele.